The following is an entry in ClinVar:

ClinVar aggregate classification (germline): Uncertain significance (1 of 4 stars; one submission).

Conditions:
Arrhythmogenic cardiomyopathy with wooly hair and keratoderma. Also called: PALMOPLANTAR KERATODERMA WITH LEFT VENTRICULAR CARDIOMYOPATHY AND WOOLLY HAIR; Carvajal syndrome; Dilated cardiomyopathy with woolly hair and keratoderma; Arrhythmogenic cardiomyopathy with woolly hair and keratoderma. Identifiers: Orphanet 65282, MedGen C1854063, MONDO:0011581, OMIM 605676.

Allele frequency attached by ClinVar (database versions not stated): gnomAD exomes 0.00001.

Submission:

All of Us Research Program, National Institutes of Health
Classification: Uncertain significance for Arrhythmogenic cardiomyopathy with wooly hair and keratoderma. Last evaluated: 2023-05-08. Review status: criteria provided, single submitter. Criteria: ACMG Guidelines, 2015. Collection method: clinical testing. Allele origin: germline. Inheritance: Autosomal dominant inheritance. Observed: 1 variant allele, 1 heterozygote.
Comment: This study involves interpretation of variants in research participants for the purpose of population health screening. Participant phenotype was not available at the time of variant classification. Additional details can be found in publication PMID: 35346344, PMCID: PMC8962531

NM_004415.4(DSP):c.4600G>C (p.Glu1534Gln)

Gene: DSP (desmoplakin; plus strand). Cytogenetic location: 6p24.3.
Variant type: single nucleotide variant.
Coding change: c.4600G>C on transcript NM_004415.4 (MANE Select); coding-DNA position 4600, G replaced by C.
Protein change: p.Glu1534Gln; replaces glutamic acid 1534 with glutamine.
Molecular consequence: missense variant. On other transcripts: intron variant (2).
Genome position (GRCh38, 1-based): chr6:7,580,790, G>C. VCF-style: chr6-7580790-G-C. GRCh37 (hg19) VCF-style: chr6-7581023-G-C.
Other names: c.4050+550G>C (NM_001319034.2); c.3582+1018G>C (NM_001008844.3); short protein forms E1534Q.
Identifiers: ClinVar variation 3070939 (VCV003070939.1), dbSNP rs1192130322, ClinGen allele CA362686706.